The following continues an entry in ClinVar:

NM_000243.3(MEFV):c.1223G>A (p.Arg408Gln)

Gene: MEFV. ClinVar aggregate classification (germline): Conflicting classifications of pathogenicity. Likely pathogenic (1); Uncertain significance (10); Benign (2); Likely benign (6).

Submissions 32 to 34 of 34:

Dr. Peter K. Rogan Lab, Western University
No classification provided (evidence only). Condition: Malignant tumor of esophagus. Review status: no classification provided. Collection method: in vitro. Allele origin: not applicable. Functional consequence: retained intron. Not counted in ClinVar's aggregate classification.

Dr. Peter K. Rogan Lab, Western University
No classification provided (evidence only). Condition: Malignant tumor of esophagus. Review status: no classification provided. Collection method: in vitro. Allele origin: not applicable. Functional consequence: retained intron. Not counted in ClinVar's aggregate classification.

GeneReviews
No classification provided. Condition: Familial Mediterranean fever. Review status: no classification provided. Collection method: literature only. Allele origin: germline. Affected: yes. Not counted in ClinVar's aggregate classification.

Literature cited by the submitters: PubMed 20041150 (cited by Women's Health and Genetics/Laboratory Corporation of America, LabCorp and Ambry Genetics); PubMed 10364520 (cited by 4 submitters); PubMed 19934105 (cited by 3 submitters); PubMed 15951859 (cited by Women's Health and Genetics/Laboratory Corporation of America, LabCorp); PubMed 21413889 (cited by Women's Health and Genetics/Laboratory Corporation of America, LabCorp); PubMed 19531756 (cited by Women's Health and Genetics/Laboratory Corporation of America, LabCorp); PubMed 22467954 (cited by Women's Health and Genetics/Laboratory Corporation of America, LabCorp); PubMed 22903357 (cited by Women's Health and Genetics/Laboratory Corporation of America, LabCorp); PubMed 23325590 (cited by Women's Health and Genetics/Laboratory Corporation of America, LabCorp); PubMed 20525738 (cited by Women's Health and Genetics/Laboratory Corporation of America, LabCorp); PubMed 19863562 (cited by Women's Health and Genetics/Laboratory Corporation of America, LabCorp); PubMed 23302539 (cited by Women's Health and Genetics/Laboratory Corporation of America, LabCorp); PubMed 25703702 (cited by Women's Health and Genetics/Laboratory Corporation of America, LabCorp); PubMed 25866490 (cited by Women's Health and Genetics/Laboratory Corporation of America, LabCorp); PubMed 24797171 (cited by Women's Health and Genetics/Laboratory Corporation of America, LabCorp and Ambry Genetics); PubMed 23505238 (cited by Women's Health and Genetics/Laboratory Corporation of America, LabCorp); PubMed 29735907 (cited by Women's Health and Genetics/Laboratory Corporation of America, LabCorp); PubMed 30407166 (cited by Women's Health and Genetics/Laboratory Corporation of America, LabCorp); PubMed 29526930 (cited by Women's Health and Genetics/Laboratory Corporation of America, LabCorp); PubMed 26360812 (cited by Women's Health and Genetics/Laboratory Corporation of America, LabCorp); PubMed 30996171 (cited by Women's Health and Genetics/Laboratory Corporation of America, LabCorp); PubMed 29927949 (cited by Women's Health and Genetics/Laboratory Corporation of America, LabCorp); PubMed 31411330 (cited by Women's Health and Genetics/Laboratory Corporation of America, LabCorp); PubMed 31264586 (cited by Women's Health and Genetics/Laboratory Corporation of America, LabCorp); PubMed 19934082 (cited by Illumina Laboratory Services, Illumina); PubMed 10090880 (cited by Illumina Laboratory Services, Illumina); PubMed 22995991 (cited by OMIM); NCBI Bookshelf NBK1227 (cited by GeneReviews).